The following is an entry in ClinVar:

NM_014712.3(SETD1A):c.4488C>T (p.Ser1496=)

Gene: SETD1A (SET domain containing 1A, histone lysine methyltransferase; plus strand). Cytogenetic location: 16p11.2.
Variant type: single nucleotide variant.
Coding change: c.4488C>T on transcript NM_014712.3 (MANE Select); coding-DNA position 4488, C replaced by T.
Protein change: p.Ser1496=; no amino-acid change (serine 1496 retained).
Molecular consequence: synonymous variant.
Genome position (GRCh38, 1-based): chr16:30,980,564, C>T. VCF-style: chr16-30980564-C-T. GRCh37 (hg19) VCF-style: chr16-30991885-C-T.
Identifiers: ClinVar variation 2646458 (VCV002646458.24), dbSNP rs140959641, ClinGen allele CA8017574.

ClinVar aggregate classification (germline): Likely benign (1 of 4 stars; one submission).

Allele frequency attached by ClinVar (database versions not stated): gnomAD exomes 0.00005; gnomAD 0.00006; TOPMed 0.00006; ESP Exome Variant Server 0.00008; ExAC 0.00011.
gnomAD v4.1: 88 of 1,614,010 alleles (0.0055%); highest among the groups gnomAD compares: Middle Eastern, 0.049%; no homozygotes.

Submission:

CeGaT Center for Human Genetics Tuebingen
Classification: Likely benign. Last evaluated: 2026-03-01. Review status: criteria provided, single submitter. Criteria: CeGaT Center For Human Genetics Tuebingen Variant Classification Criteria Version 2. Collection method: clinical testing. Allele origin: germline. Affected: yes. Observed: 2 variant alleles.
Comment: SETD1A: BP4, BP7